The following is an entry in ClinVar:

ClinVar aggregate classification (germline): Conflicting classifications of pathogenicity. Review status: criteria provided, conflicting classifications (1 of 4 stars). 2 submissions from 2 submitters: Likely pathogenic (1); Uncertain significance (1). Last evaluated 2025-02-10.

Conditions:
Chronic granulomatous disease. Identifiers: Orphanet 379, MedGen C0018203, MONDO:0018305.
Granulomatous disease, chronic, autosomal recessive, cytochrome b-negative. Also called: CGD DUE TO DEFICIENCY OF THE ALPHA SUBUNIT OF CYTOCHROME b; CGD, AUTOSOMAL RECESSIVE CYTOCHROME b-NEGATIVE; CYBA DEFICIENCY; GRANULOMATOUS DISEASE, CHRONIC, AUTOSOMAL RECESSIVE, 4; Chronic granulomatous disease, autosomal, due to deficiency of CYBA. Identifiers: Orphanet 379, MedGen C1856255, MONDO:0009308, OMIM 233690.

Allele frequency attached by ClinVar (database versions not stated): ExAC 0.00002.

Submissions (2):

Natera, Inc.
Classification: Likely pathogenic for Chronic granulomatous disease. Last evaluated: 2025-02-10. Review status: criteria provided, single submitter. Criteria: Natera Variant Classification Schema (03/2026). Collection method: clinical testing. Allele origin: germline.
Comment: The c.1A>T variant in CYBA is predicted to result in start loss due to disruption of the initiator methionine. This variant is expected to result in nonsense mediated decay, truncation, or a dysfunctional protein product. This variant is rare in the general population with a frequency below the threshold expected for the associated phenotype(s). Given the available evidence, this variant is classified as Likely Pathogenic.

Labcorp Genetics (formerly Invitae), Labcorp
Classification: Uncertain significance for Granulomatous disease, chronic, autosomal recessive, cytochrome b-negative. Last evaluated: 2021-08-31. Review status: criteria provided, single submitter. Criteria: Invitae Variant Classification Sherloc (09022015). Collection method: clinical testing. Allele origin: germline.
Comment: This sequence change affects the initiator methionine of the CYBA mRNA. The next in-frame methionine is located at codon 8. This variant is present in population databases (rs775868940, ExAC 0.009%). Disruption of the initiator codon has been observed in individual(s) with chronic granulomatous disease (PMID: 31456102). Experimental studies and prediction algorithms are not available or were not evaluated, and the functional significance of this variant is currently unknown. In summary, the available evidence is currently insufficient to determine the role of this variant in disease. Therefore, it has been classified as a Variant of Uncertain Significance.

Literature cited by the submitters: PubMed 31456102 (cited by Labcorp Genetics (formerly Invitae), Labcorp).

NM_000101.4(CYBA):c.1A>T (p.Met1Leu)

Gene: CYBA (cytochrome b-245 alpha chain; minus strand). Cytogenetic location: 16q24.2.
Variant type: single nucleotide variant.
Coding change: c.1A>T on transcript NM_000101.4 (MANE Select); coding-DNA position 1, A replaced by T.
Protein change: p.Met1Leu; changes the start codon (methionine 1).
Molecular consequence: missense variant, initiator codon variant.
Genome position (GRCh38, 1-based): chr16:88,651,013, T>A on the plus strand (A>T on the coding strand, the complement: CYBA is on the minus strand). VCF-style: chr16-88651013-T-A. GRCh37 (hg19) VCF-style: chr16-88717421-T-A.
Other names: c.1A>T (NM_000101.3); short protein forms M1L.
Identifiers: ClinVar variation 1353193 (VCV001353193.7), dbSNP rs775868940, ClinGen allele CA8228538.